The following is an entry in ClinVar:

NM_001457.4(FLNB):c.*675G>A

Gene: FLNB (filamin B; plus strand). Cytogenetic location: 3p14.3.
Variant type: single nucleotide variant.
Coding change: c.*675G>A on transcript NM_001457.4 (MANE Select); 675 bases downstream of the stop codon, G replaced by A.
Molecular consequence: 3 prime UTR variant.
Genome position (GRCh38, 1-based): chr3:58,171,437, G>A. VCF-style: chr3-58171437-G-A. GRCh37 (hg19) VCF-style: chr3-58157164-G-A.
Other names: c.*675G>A (NM_001164317.2, NM_001164318.2, NM_001164319.2).
Identifiers: ClinVar variation 346380 (VCV000346380.6), dbSNP rs372717760, ClinGen allele CA10617218.

ClinVar aggregate classification (germline): Benign. Review status: criteria provided, multiple submitters, no conflicts (2 of 4 stars). 2 submissions from 2 submitters: Benign (2). Last evaluated 2018-01-12.

Conditions:
FLNB-Related Spectrum Disorders.

Allele frequency attached by ClinVar (database versions not stated): gnomAD 0.00002 and 0.00082; TOPMed 0.00010; 1000 Genomes Project 30x 0.00468; 1000 Genomes Project 0.00499.

Submissions (2):

Illumina Laboratory Services, Illumina
Classification: Benign for FLNB-Related Spectrum Disorders. Last evaluated: 2018-01-12. Review status: criteria provided, single submitter. Criteria: ICSL Variant Classification Criteria 13 December 2019. Collection method: clinical testing. Allele origin: germline.
Comment: This variant was observed in the ICSL laboratory as part of a predisposition screen in an ostensibly healthy population. It had not been previously curated by ICSL or reported in the Human Gene Mutation Database (HGMD: prior to June 1st, 2018), and was therefore a candidate for classification through an automated scoring system. Utilizing variant allele frequency, disease prevalence and penetrance estimates, and inheritance mode, an automated score was calculated to assess if this variant is too frequent to cause the disease. Based on the score and internal cut-off values, a variant classified as benign is not then subjected to further curation. The score for this variant resulted in a classification of benign for this disease.

Breakthrough Genomics
Classification: Benign. Review status: criteria provided, single submitter. Criteria: ACMG Guidelines, 2015. Collection method: not provided. Allele origin: germline. Inheritance: Autosomal recessive inheritance. Affected: yes.